The following is an entry in ClinVar:

NM_001252024.2(TRPM1):c.1897C>A (p.Pro633Thr)

Gene: TRPM1 (transient receptor potential cation channel subfamily M member 1; minus strand). Cytogenetic location: 15q13.3.
Variant type: single nucleotide variant.
Coding change: c.1897C>A on transcript NM_001252024.2 (MANE Select); coding-DNA position 1897, C replaced by A.
Protein change: p.Pro633Thr; replaces proline 633 with threonine.
Molecular consequence: missense variant.
Genome position (GRCh38, 1-based): chr15:31,042,141, G>T on the plus strand (C>A on the coding strand, the complement: TRPM1 is on the minus strand). VCF-style: chr15-31042141-G-T. GRCh37 (hg19) VCF-style: chr15-31334344-G-T.
Other names: c.1948C>A, p.Pro650Thr (NM_001252020.2); c.1831C>A, p.Pro611Thr (NM_002420.6); c.1831C>A (NM_002420.5); c.1948C>A (NM_001252020.1); short protein forms P611T, P633T, P650T.
Identifiers: ClinVar variation 1497916 (VCV001497916.8), dbSNP rs954222464, ClinGen allele CA267474865.

ClinVar aggregate classification (germline): Uncertain significance. Review status: criteria provided, multiple submitters, no conflicts (2 of 4 stars). 3 submissions from 3 submitters: Uncertain significance (3). Last evaluated 2026-04-05.

Conditions:
TRPM1-related disorder. Also called: TRPM1-related condition.

Allele frequency attached by ClinVar (database versions not stated): TOPMed below 0.00001; gnomAD 0.00001.
gnomAD v4.1: 13 of 1,614,064 alleles (0.00081%); highest among the groups gnomAD compares: Non-Finnish European, 0.001%; no homozygotes.

Submissions (3):

GeneDx
Classification: Uncertain significance. Last evaluated: 2026-04-05. Review status: criteria provided, single submitter. Criteria: GeneDx Variant Classification Process June 2021. Collection method: clinical testing. Allele origin: germline.
Comment: Not observed at significant frequency in large population cohorts (gnomAD); In silico analysis supports that this missense variant has a deleterious effect on protein structure/function; Has not been previously published as pathogenic or benign to our knowledge

PreventionGenetics, part of Exact Sciences
Classification: Uncertain significance for TRPM1-related condition. Last evaluated: 2025-09-23. Review status: criteria provided, single submitter. Criteria: ACMG Guidelines, 2015. Collection method: clinical testing. Allele origin: germline.
Comment: The TRPM1 c.1948C>A variant is predicted to result in the amino acid substitution p.Pro650Thr. To our knowledge, this variant has not been reported in the literature. This variant is reported in 0.00088% of alleles in individuals of European (Non-Finnish) descent in gnomAD. At this time, the clinical significance of this variant is uncertain due to the absence of conclusive functional and genetic evidence.

Labcorp Genetics (formerly Invitae), Labcorp
Classification: Uncertain significance. Last evaluated: 2024-09-16. Review status: criteria provided, single submitter. Criteria: Invitae Variant Classification Sherloc (09022015). Collection method: clinical testing. Allele origin: germline.
Comment: This sequence change replaces proline, which is neutral and non-polar, with threonine, which is neutral and polar, at codon 611 of the TRPM1 protein (p.Pro611Thr). This variant is present in population databases (no rsID available, gnomAD 0.0009%). This variant has not been reported in the literature in individuals affected with TRPM1-related conditions. ClinVar contains an entry for this variant (Variation ID: 1497916). Invitae Evidence Modeling of protein sequence and biophysical properties (such as structural, functional, and spatial information, amino acid conservation, physicochemical variation, residue mobility, and thermodynamic stability) has been performed for this missense variant. However, the output from this modeling did not meet the statistical confidence thresholds required to predict the impact of this variant on TRPM1 protein function. In summary, the available evidence is currently insufficient to determine the role of this variant in disease. Therefore, it has been classified as a Variant of Uncertain Significance.